The following is an entry in ClinVar:

ClinVar aggregate classification (germline): Benign. Review status: criteria provided, multiple submitters, no conflicts (2 of 4 stars). 10 submissions from 9 submitters: Benign (7). 3 of the submissions do not count toward it. Last evaluated 2026-02-04.

Conditions:
Ullrich congenital muscular dystrophy 1A. Also called: Ullrich congenital muscular dystrophy 1; Intermediate COL6-RD. Identifiers: Orphanet 75840, MedGen C0410179, MONDO:0009681, OMIM 254090.
Bethlem myopathy 1A. Also called: Bethlem myopathy 1; Bethlem Muscular Dystrophy; MYOPATHY, BENIGN CONGENITAL, WITH CONTRACTURES. Identifiers: Orphanet 610, MedGen CN029274, MONDO:0024530, OMIM 158810.

Allele frequency attached by ClinVar (database versions not stated): gnomAD exomes 0.85883 and 0.85318; ExAC 0.86182; TOPMed 0.86940; 1000 Genomes Project 0.87680; ESP Exome Variant Server 0.86294; gnomAD 0.86865.
gnomAD v4.1: 1,377,419 of 1,611,554 alleles (85%); highest among the groups gnomAD compares: East Asian, 93%; 589,168 homozygotes.

Submissions (10):

Labcorp Genetics (formerly Invitae), Labcorp
Classification: Benign for Bethlem myopathy 1A. Last evaluated: 2026-02-04. Review status: criteria provided, single submitter. Criteria: Invitae Variant Classification Sherloc (09022015). Collection method: clinical testing. Allele origin: germline.

Genome-Nilou Lab
Classification: Benign for Bethlem myopathy 1A. Last evaluated: 2021-07-30. Review status: criteria provided, single submitter. Criteria: ACMG Guidelines, 2015. Collection method: clinical testing. Allele origin: germline. Affected: no.

Genome-Nilou Lab
Classification: Benign for Ullrich congenital muscular dystrophy 1A. Last evaluated: 2021-07-30. Review status: criteria provided, single submitter. Criteria: ACMG Guidelines, 2015. Collection method: clinical testing. Allele origin: germline. Affected: no.

GeneDx
Classification: Benign. Last evaluated: 2016-01-22. Review status: criteria provided, single submitter. Criteria: GeneDx Variant Classification (06012015). Collection method: clinical testing. Allele origin: germline. Affected: yes.
Comment: This variant is considered likely benign or benign based on one or more of the following criteria: it is a conservative change, it occurs at a poorly conserved position in the protein, it is predicted to be benign by multiple in silico algorithms, and/or has population frequency not consistent with disease.

Eurofins Ntd Llc (ga)
Classification: Benign. Last evaluated: 2014-10-14. Review status: criteria provided, single submitter. Criteria: EGL Classification Definitions 2015. Collection method: clinical testing. Allele origin: germline. Observed: 170 variant alleles, 33 heterozygotes, 137 homozygotes.

Breakthrough Genomics
Classification: Benign. Review status: criteria provided, single submitter. Criteria: ACMG Guidelines, 2015. Collection method: not provided. Allele origin: germline. Inheritance: Autosomal recessive inheritance. Affected: yes.

PreventionGenetics, part of Exact Sciences
Classification: Benign. Review status: criteria provided, single submitter. Criteria: ACMG Guidelines, 2015. Collection method: clinical testing. Allele origin: germline.

Clinical Genetics, Academic Medical Center
Classification: Benign. Review status: no assertion criteria provided. Collection method: clinical testing. Allele origin: germline. Affected: yes. Study: VKGL Data-share Consensus. Not counted in ClinVar's aggregate classification.

Diagnostic Laboratory, Department of Genetics, University Medical Center Groningen
Classification: Benign. Review status: no assertion criteria provided. Collection method: clinical testing. Allele origin: germline. Affected: yes. Study: VKGL Data-share Consensus. Not counted in ClinVar's aggregate classification.

Joint Genome Diagnostic Labs from Nijmegen and Maastricht, Radboudumc and MUMC+
Classification: Benign. Review status: no assertion criteria provided. Collection method: clinical testing. Allele origin: germline. Affected: yes. Study: VKGL Data-share Consensus. Not counted in ClinVar's aggregate classification.

NM_001848.3(COL6A1):c.859-19A>G

Gene: COL6A1 (collagen type VI alpha 1 chain; plus strand). Cytogenetic location: 21q22.3.
Variant type: single nucleotide variant.
Coding change: c.859-19A>G on transcript NM_001848.3 (MANE Select); 19 bases into the intron before coding-DNA position 859, A replaced by G.
Molecular consequence: intron variant.
Genome position (GRCh38, 1-based): chr21:45,989,589, A>G. VCF-style: chr21-45989589-A-G. GRCh37 (hg19) VCF-style: chr21-47409503-A-G.
Identifiers: ClinVar variation 93891 (VCV000093891.23), dbSNP rs2277814, ClinGen allele CA147419.